The following is an entry in ClinVar:

NM_000080.4(CHRNE):c.346A>G (p.Ile116Val)

Genes: CHRNE (cholinergic receptor nicotinic epsilon subunit; minus strand), C17orf107 (chromosome 17 open reading frame 107; plus strand). Cytogenetic location: 17p13.2.
Variant type: single nucleotide variant.
Coding change: c.346A>G on transcript NM_000080.4 (MANE Select); coding-DNA position 346, A replaced by G.
Protein change: p.Ile116Val; replaces isoleucine 116 with valine.
Molecular consequence: missense variant. On other transcripts: 3 prime UTR variant (1).
Genome position (GRCh38, 1-based): chr17:4,902,086, T>C on the plus strand (A>G on the coding strand, the complement: CHRNE is on the minus strand). VCF-style: chr17-4902086-T-C. GRCh37 (hg19) VCF-style: chr17-4805381-T-C.
Other names: c.*1553T>C (NM_001145536.2); short protein forms I116V.
Identifiers: ClinVar variation 1679943 (VCV001679943.3), dbSNP rs2151098410, ClinGen allele CA397306394.

ClinVar aggregate classification (germline): Likely pathogenic (0 of 4 stars; one submission).

Conditions:
Tip-toe gait. Also called: Toe walking. Identifiers: MedGen C0427144, HP:0030051.

Submission:

Practice for Gait Abnormalities, David Pomarino, Competency Network Toe Walking C/o Practice Pomarino
Classification: Likely pathogenic for Tip-toe gait. Review status: no assertion criteria provided. Collection method: clinical testing. Allele origin: germline. Affected: yes.
Comment: Myopathy refers to diseases that affect skeletal Muscles. These diseases attack muscle fibers, making muscles weak. Inherited myopathies are often caused by inheriting an abnormal gene mutation from a parent that causes the disease. Symptoms of congenital myopathies usually start at birth or in early childhood, but may not appear until the teen years or even later in adulthood. Congenital myopathies are somewhat unique compared with other inherited myopathies, as weakness typically affects all muscles and is often not progressive. Symptoms are: Muscle weakness, most commonly of upper arms and shoulders and thighs, muscle cramps, stiffness and spasms, fatigue with exertion and lack of energy. Our patients all walk on tiptoe, so they show similar symptoms. When we genetically test them with our toe walking panel, we find that around 90 per cent of them have a genetic variant that explains their toe walking. These can be assigned, for example, to the area of myopathies (such as variants of the COL6A3 gene), the area of hereditary neuropathies (such as variants of the KMT2C gene) or the area of metabolic diseases (such as variants of the PYGM gene). In a smaller group of patients with almost identical symptoms, no abnormality is found in the genes of our panel, but spastic paraplegia can be detected. In another small group of our toe walkers, no abnormalities can be detected in the genes analysed in our toe walking panel, nor do they suffer from spastic paraplegia, as is also the case with healthy children. In contrast to these, however, they show a tiptoe gait. These patients suffer from infantile cerebral palsy, in which toe walking can also be observed.

Literature cited by the submitters: PubMed 37091313.